The following is an entry in ClinVar:

NM_005502.4(ABCA1):c.1979del (p.Val660fs)

Gene: ABCA1 (ATP binding cassette subfamily A member 1; minus strand). Cytogenetic location: 9q31.1.
Variant type: Deletion.
Coding change: c.1979del on transcript NM_005502.4 (MANE Select); coding-DNA position 1979, one base deleted (T; older notation c.1979delT).
Protein change: p.Val660fs; shifts the reading frame from valine 660.
Molecular consequence: frameshift variant.
Genome position (GRCh38, 1-based): chr9:104,829,052, A deleted on the plus strand (T on the coding strand, the reverse complement: ABCA1 is on the minus strand). VCF-style (leftmost placement, unchanged base first): chr9-104829051-CA-C. GRCh37 (hg19) VCF-style: chr9-107591332-CA-C.
Other names: c.1979delT (NM_005502.4); short protein forms V660fs.
Identifiers: ClinVar variation 3339293 (VCV003339293.1).

ClinVar aggregate classification (germline): Pathogenic (1 of 4 stars; one submission).

Conditions:
Tangier disease (TGD). Also called: HIGH DENSITY LIPOPROTEIN DEFICIENCY, TANGIER TYPE; HIGH DENSITY LIPOPROTEIN DEFICIENCY, TYPE 1; Cholesterol thesaurismosis. Identifiers: Orphanet 31150, MedGen C0039292, MONDO:0008783, OMIM 205400.

Submission:

Women's Health and Genetics/Laboratory Corporation of America, LabCorp
Classification: Pathogenic for Tangier disease. Last evaluated: 2024-07-29. Review status: criteria provided, single submitter. Criteria: LabCorp Variant Classification Summary - May 2015. Collection method: clinical testing. Allele origin: germline.
Comment: Variant summary: ABCA1 c.1979delT (p.Val660GlyfsX8) results in a premature termination codon, predicted to cause a truncation of the encoded protein or absence of the protein due to nonsense mediated decay, which are commonly known mechanisms for disease. The variant was absent in 251444 control chromosomes. To our knowledge, no occurrence of c.1979delT in individuals affected with Tangier Disease and no experimental evidence demonstrating its impact on protein function have been reported. No submitters have cited clinical-significance assessments for this variant to ClinVar. Based on the evidence outlined above, the variant was classified as pathogenic.